The following is an entry in ClinVar:

NM_001083962.2(TCF4):c.-21+20G>A

Gene: TCF4 (transcription factor 4; minus strand). Cytogenetic location: 18q21.2.
Variant type: single nucleotide variant.
Coding change: c.-21+20G>A on transcript NM_001083962.2 (MANE Select); 20 bases into the intron after 21 bases upstream of the start codon, G replaced by A.
Molecular consequence: intron variant.
Genome position (GRCh38, 1-based): chr18:55,588,018, C>T on the plus strand (G>A on the coding strand, the complement: TCF4 is on the minus strand). VCF-style: chr18-55588018-C-T. GRCh37 (hg19) VCF-style: chr18-53255249-C-T.
Other names: c.287-882G>A (NM_001243226.3); c.-1+1279G>A (NM_001369584.1, NM_001369576.1, NM_001369577.1 and 3 more transcripts); c.-20-882G>A (NM_001369571.1, NM_001369567.1, NM_001243228.2); c.66+452G>A (NM_001243230.2); c.-21+452G>A (NM_001369569.1, NM_001369572.1, NM_001369568.1); c.-1+20G>A (NM_001369585.1, NM_001369578.1, NM_001369579.1 and 2 more transcripts); c.-21+20G>A (NM_001369573.1, NM_001369570.1, NM_001369574.1 and 2 more transcripts).
Identifiers: ClinVar variation 506299 (VCV000506299.1), dbSNP rs1555785143, ClinGen allele CA658799073.
Genomic context (GRCh38, chr18:55,588,018, plus strand): 5'-CGCGTGCGGGGCCGCCGAGCCCGAACCCCGCGCCGCCGGGCGCCTCCGCCCCGCCGAGCC[C>T]CGCAGGCGCCGGTACCTACCGCCCGCGCGCGAGAAGGGGCTCTCCGTGCACCGCCGGCGC-3'

ClinVar aggregate classification (germline): Likely benign (1 of 4 stars; one submission).

Submission:

GeneDx
Classification: Likely benign. Last evaluated: 2017-06-21. Review status: criteria provided, single submitter. Criteria: GeneDx Variant Classification (06012015). Collection method: clinical testing. Allele origin: germline. Affected: yes.
Comment: This variant is considered likely benign or benign based on one or more of the following criteria: it is a conservative change, it occurs at a poorly conserved position in the protein, it is predicted to be benign by multiple in silico algorithms, and/or has population frequency not consistent with disease.